The following is an entry in ClinVar:

ClinVar aggregate classification (germline): Pathogenic. Review status: criteria provided, single submitter (1 of 4 stars). 2 submissions from 2 submitters: Pathogenic (1). 1 of the submissions does not count toward it. Last evaluated 2023-01-21.

Conditions:
Myopathy, proximal, and ophthalmoplegia (CMYO6). Also called: MYOPATHY WITH CONGENITAL JOINT CONTRACTURES, OPHTHALMOPLEGIA, AND RIMMED VACUOLES; INCLUSION BODY MYOPATHY 3, AUTOSOMAL DOMINANT; CONGENITAL MYOPATHY 6 WITH OPHTHALMOPLEGIA. Identifiers: Orphanet 363677, Orphanet 79091, MedGen C1854106, MONDO:0011577, OMIM 605637.
MYH2-related disorder. Also called: MYH2-related condition.

Submissions (2):

Labcorp Genetics (formerly Invitae), Labcorp
Classification: Pathogenic for Myopathy, proximal, and ophthalmoplegia. Last evaluated: 2023-01-21. Review status: criteria provided, single submitter. Criteria: Invitae Variant Classification Sherloc (09022015). Collection method: clinical testing. Allele origin: germline.
Comment: This sequence change creates a premature translational stop signal (p.Glu1778Serfs*11) in the MYH2 gene. It is expected to result in an absent or disrupted protein product. Loss-of-function variants in MYH2 are known to be pathogenic (PMID: 20418530, 23388406, 24193343). For these reasons, this variant has been classified as Pathogenic. This variant has not been reported in the literature in individuals affected with MYH2-related conditions. This variant is not present in population databases (gnomAD no frequency).

PreventionGenetics, part of Exact Sciences
Classification: Likely pathogenic for MYH2-related condition. Last evaluated: 2024-05-07. Review status: no assertion criteria provided. Collection method: clinical testing. Allele origin: germline. Not counted in ClinVar's aggregate classification.
Comment: The MYH2 c.5332delG variant is predicted to result in a frameshift and premature protein termination (p.Glu1778Serfs*11). To our knowledge, this variant has not been reported in the literature or in gnomAD, indicating this variant is rare. Frameshift variants in MYH2 are expected to be pathogenic. This variant is interpreted as likely pathogenic.

Literature cited by the submitters: PubMed 20418530 (cited by Labcorp Genetics (formerly Invitae), Labcorp); PubMed 23388406 (cited by Labcorp Genetics (formerly Invitae), Labcorp); PubMed 24193343 (cited by Labcorp Genetics (formerly Invitae), Labcorp).

NM_017534.6(MYH2):c.5332del (p.Glu1778fs)

Genes: MYHAS (myosin heavy chain gene cluster antisense RNA; plus strand), MYH2 (myosin heavy chain 2; minus strand). Cytogenetic location: 17p13.1.
Variant type: Deletion.
Coding change: c.5332del on transcript NM_017534.6 (MANE Select); coding-DNA position 5332, one base deleted (G; older notation c.5332delG).
Protein change: p.Glu1778fs; shifts the reading frame from glutamic acid 1778.
Molecular consequence: frameshift variant.
Genome position (GRCh38, 1-based): chr17:10,523,636, C deleted on the plus strand (G on the coding strand, the reverse complement: MYH2 is on the minus strand); the first of 2 consecutive C bases (chr17:10,523,636-10,523,637); deleting either gives the same sequence. VCF-style (leftmost placement, unchanged base first): chr17-10523635-TC-T. GRCh37 (hg19) VCF-style: chr17-10426952-TC-T.
Other names: c.5332del, p.Glu1778fs (NM_001100112.2); short protein forms E1778fs.
Identifiers: ClinVar variation 2629684 (VCV002629684.5), dbSNP rs2508409130, ClinGen allele CA497975646.